The following is an entry in ClinVar:

ClinVar aggregate classification (germline): Uncertain significance. Review status: criteria provided, multiple submitters, no conflicts (2 of 4 stars). 2 submissions from 2 submitters: Uncertain significance (2). Last evaluated 2025-04-16.

Conditions:
Brody myopathy. Also called: BRODY DISEASE. Identifiers: Orphanet 53347, MedGen C1832918, MONDO:0010977, OMIM 601003.

Allele frequency attached by ClinVar (database versions not stated): TOPMed 0.00002.
gnomAD v4.1: 13 of 1,613,600 alleles (0.00081%); highest among the groups gnomAD compares: Middle Eastern, 0.016%; no homozygotes.

Submissions (2):

Revvity Omics, Revvity
Classification: Uncertain significance for Brody myopathy. Last evaluated: 2025-04-16. Review status: criteria provided, single submitter. Criteria: ACMG Guidelines, 2015. Collection method: clinical testing. Allele origin: germline.

Labcorp Genetics (formerly Invitae), Labcorp
Classification: Uncertain significance for Brody myopathy. Last evaluated: 2022-07-12. Review status: criteria provided, single submitter. Criteria: Invitae Variant Classification Sherloc (09022015). Collection method: clinical testing. Allele origin: germline.
Comment: This sequence change replaces valine, which is neutral and non-polar, with phenylalanine, which is neutral and non-polar, at codon 194 of the ATP2A1 protein (p.Val194Phe). This variant is present in population databases (no rsID available, gnomAD 0.002%). This variant has not been reported in the literature in individuals affected with ATP2A1-related conditions. ClinVar contains an entry for this variant (Variation ID: 957188). Algorithms developed to predict the effect of missense changes on protein structure and function are either unavailable or do not agree on the potential impact of this missense change (SIFT: "Deleterious"; PolyPhen-2: "Possibly Damaging"; Align-GVGD: "Class C0"). In summary, the available evidence is currently insufficient to determine the role of this variant in disease. Therefore, it has been classified as a Variant of Uncertain Significance.

NM_004320.6(ATP2A1):c.580G>T (p.Val194Phe)

Gene: ATP2A1 (ATPase sarcoplasmic/endoplasmic reticulum Ca2+ transporting 1; plus strand). Cytogenetic location: 16p11.2.
Variant type: single nucleotide variant.
Coding change: c.580G>T on transcript NM_004320.6 (MANE Select); coding-DNA position 580, G replaced by T.
Protein change: p.Val194Phe; replaces valine 194 with phenylalanine.
Molecular consequence: missense variant.
Genome position (GRCh38, 1-based): chr16:28,887,224, G>T. VCF-style: chr16-28887224-G-T. GRCh37 (hg19) VCF-style: chr16-28898545-G-T.
Other names: c.205G>T, p.Val69Phe (NM_001286075.2); c.580G>T, p.Val194Phe (NM_173201.5); c.580G>T (NM_173201.4); short protein forms V69F, V194F.
Identifiers: ClinVar variation 957188 (VCV000957188.9), dbSNP rs201515814, ClinGen allele CA395402504.